The following is an entry in ClinVar:

ClinVar aggregate classification (germline): Conflicting classifications of pathogenicity. Review status: criteria provided, conflicting classifications (1 of 4 stars). 2 submissions from 2 submitters: Likely pathogenic (1); Uncertain significance (1). Last evaluated 2025-08-06.

Conditions:
Dilated cardiomyopathy 1G (CMD1G). Identifiers: Orphanet 154, MedGen C1858763, MONDO:0011400, OMIM 604145.
Autosomal recessive limb-girdle muscular dystrophy type 2J (LGMDR10). Also called: Limb-girdle muscular dystrophy, type 2J; MUSCULAR DYSTROPHY, LIMB-GIRDLE, AUTOSOMAL RECESSIVE 10. Identifiers: Orphanet 140922, MedGen C1837342, MONDO:0012127, OMIM 608807.
Cardiovascular phenotype. Identifiers: MedGen CN230736.

Submissions (2):

Ambry Genetics
Classification: Uncertain significance for Cardiovascular phenotype. Last evaluated: 2025-08-06. Review status: criteria provided, single submitter. Criteria: Ambry Variant Classification Scheme 2023. Collection method: clinical testing. Allele origin: germline.
Comment: The c.36598+1G>T intronic variant results from a G to T substitution one nucleotide after coding exon 133 of the TTN gene. This exon is located in the A-band region of the N2-B isoform of the titin protein and is constitutively expressed in TTN transcripts (percent spliced in or PSI 100%). This variant (also referred to as c.63793+1G>T) has been reported in association with dilated cardiomyopathy (DCM) (Jansweijer JA et al. Eur J Heart Fail, 2017 Apr;19:512-521). This nucleotide position is highly conserved in available vertebrate species. In silico splice site analysis predicts that this alteration will weaken the native splice donor site. This alteration disrupts the canonical splice site and is expected to cause aberrant splicing. However, although direct evidence is unavailable, this alteration is predicted to result in an in-frame transcript that is not expected to trigger nonsense-mediated mRNA decay. The exact functional effect of the predicted splice impact is unknown. Based on the available evidence, the clinical significance of this variant remains unclear.

Labcorp Genetics (formerly Invitae), Labcorp
Classification: Likely pathogenic for Dilated cardiomyopathy 1G; Autosomal recessive limb-girdle muscular dystrophy type 2J. Last evaluated: 2024-09-02. Review status: criteria provided, single submitter. Criteria: Invitae Variant Classification Sherloc (09022015). Collection method: clinical testing. Allele origin: germline.
Comment: This sequence change affects a donor splice site in intron 306 of the TTN gene. It is expected to disrupt RNA splicing and likely results in a truncated or disrupted TTN protein. This variant is not present in population databases (gnomAD no frequency). Disruption of this splice site has been observed in individual(s) with dilated cardiomyopathy (PMID: 27813223). Algorithms developed to predict the effect of sequence changes on RNA splicing suggest that this variant may disrupt the consensus splice site. This variant is located in the A band of TTN (PMID: 25589632). Truncating variants in this region are significantly overrepresented in patients affected with dilated cardiomyopathy (PMID: 25589632). Truncating variants in this region have also been reported in individuals affected with autosomal recessive centronuclear myopathy (PMID: 23975875). In summary, the currently available evidence indicates that the variant is pathogenic, but additional data are needed to prove that conclusively. Therefore, this variant has been classified as Likely Pathogenic.

Literature cited by the submitters: PubMed 27813223 (cited by Ambry Genetics and Labcorp Genetics (formerly Invitae), Labcorp); PubMed 25589632 (cited by Labcorp Genetics (formerly Invitae), Labcorp); PubMed 23975875 (cited by Labcorp Genetics (formerly Invitae), Labcorp).

NM_001267550.2(TTN):c.63793+1G>T

Genes: TTN (titin; minus strand), TTN-AS1 (TTN antisense RNA 1; plus strand). Cytogenetic location: 2q31.2.
Variant type: single nucleotide variant.
Coding change: c.63793+1G>T on transcript NM_001267550.2 (MANE Select); the canonical splice donor site of the intron after coding-DNA position 63793, G replaced by T.
Molecular consequence: splice donor variant.
Genome position (GRCh38, 1-based): chr2:178,587,515, C>A on the plus strand (G>T on the coding strand, the complement: TTN is on the minus strand). VCF-style: chr2-178587515-C-A. GRCh37 (hg19) VCF-style: chr2-179452242-C-A.
Other names: c.36598+1G>T (NM_003319.4); c.37174+1G>T (NM_133437.4); c.36973+1G>T (NM_133432.3); c.56089+1G>T (NM_133378.4); c.58870+1G>T (NM_001256850.1).
Identifiers: ClinVar variation 3757935 (VCV003757935.3).